The following is an entry in ClinVar:

ClinVar aggregate classification (germline): Uncertain significance (1 of 4 stars; one submission).

Conditions:
Hereditary cancer-predisposing syndrome. Also called: Neoplastic Syndromes, Hereditary; Tumor predisposition; Hereditary Cancer Syndrome; Hereditary neoplastic syndrome. Identifiers: Orphanet 140162, MedGen C0027672, MeSH D009386, MONDO:0015356.

Submission:

Ambry Genetics
Classification: Uncertain significance for Hereditary cancer-predisposing syndrome. Last evaluated: 2024-07-26. Review status: criteria provided, single submitter. Criteria: Ambry Variant Classification Scheme 2023. Collection method: clinical testing. Allele origin: germline.
Comment: The p.A190P variant (also known as c.568G>C), located in coding exon 6 of the PMS2 gene, results from a G to C substitution at nucleotide position 568. The alanine at codon 190 is replaced by proline, an amino acid with highly similar properties. This amino acid position is conserved. In addition, this alteration is predicted to be deleterious by in silico analysis. Based on the available evidence, the clinical significance of this variant remains unclear.

NM_000535.7(PMS2):c.568G>C (p.Ala190Pro)

Gene: PMS2 (PMS1 homolog 2, mismatch repair system component; minus strand). Cytogenetic location: 7p22.1.
Variant type: single nucleotide variant.
Coding change: c.568G>C on transcript NM_000535.7 (MANE Select); coding-DNA position 568, G replaced by C.
Protein change: p.Ala190Pro; replaces alanine 190 with proline.
Molecular consequence: missense variant. On other transcripts: non-coding transcript variant (1), intron variant (9).
Genome position (GRCh38, 1-based): chr7:5,999,245, C>G on the plus strand (G>C on the coding strand, the complement: PMS2 is on the minus strand). VCF-style: chr7-5999245-C-G. GRCh37 (hg19) VCF-style: chr7-6038876-C-G.
Other names: c.259G>C, p.Ala87Pro (NM_001406878.1, NM_001406879.1, NM_001406880.1 and 6 more transcripts); c.163G>C, p.Ala55Pro (NM_001406887.1, NM_001406888.1, NM_001322003.2 and 21 more transcripts); c.250G>C, p.Ala84Pro (NM_001406883.1, NM_001322007.2, NM_001322008.2 and 4 more transcripts); c.568G>C, p.Ala190Pro (NM_001322006.2, NM_001322014.2, NM_001406869.1 and 5 more transcripts); c.754G>C, p.Ala252Pro (NM_001406866.1); c.592G>C, p.Ala198Pro (NM_001406868.1); c.132+3208G>C (NM_001406911.1); c.133-1822G>C (NM_001322013.2, NM_001406909.1); and 4 more; short protein forms A55P, A87P, A190P, A198P, A252P, A84P.
Identifiers: ClinVar variation 3421477 (VCV003421477.1).